The following is an entry in ClinVar:

NM_000264.5(PTCH1):c.1107del (p.Lys370fs)

Gene: PTCH1 (patched 1; minus strand). Cytogenetic location: 9q22.32.
Variant type: Deletion.
Coding change: c.1107del on transcript NM_000264.5 (MANE Select); coding-DNA position 1107, one base deleted (C; older notation c.1107delC).
Protein change: p.Lys370fs; shifts the reading frame from lysine 370.
Molecular consequence: frameshift variant. On other transcripts: non-coding transcript variant (1).
Genome position (GRCh38, 1-based): chr9:95,479,108, G deleted on the plus strand (C on the coding strand, the reverse complement: PTCH1 is on the minus strand); the first of 3 consecutive G bases (chr9:95,479,108-95,479,110); deleting any one gives the same sequence. VCF-style (leftmost placement, unchanged base first): chr9-95479107-TG-T. GRCh37 (hg19) VCF-style: chr9-98241389-TG-T.
Other names: c.909del, p.Lys304fs (NM_001083602.3); c.1104del, p.Lys369fs (NM_001083603.3); c.654del, p.Lys219fs (NM_001083604.3, NM_001083605.3, NM_001083606.3 and 1 more transcripts); c.1107del, p.Lys370fs (NM_001354918.2); short protein forms K304fs, K370fs, K369fs, K219fs.
Identifiers: ClinVar variation 3729094 (VCV003729094.2).

ClinVar aggregate classification (germline): Pathogenic (1 of 4 stars; one submission).

Conditions:
Gorlin syndrome. Also called: Nevoid Basal Cell Carcinoma Syndrome; Basal cell nevus syndrome. Identifiers: Orphanet 377, MedGen C0004779, MONDO:0007187.

Submission:

Labcorp Genetics (formerly Invitae), Labcorp
Classification: Pathogenic for Gorlin syndrome. Last evaluated: 2025-01-17. Review status: criteria provided, single submitter. Criteria: Invitae Variant Classification Sherloc (09022015). Collection method: clinical testing. Allele origin: germline.
Comment: This sequence change creates a premature translational stop signal (p.Lys370Serfs*62) in the PTCH1 gene. It is expected to result in an absent or disrupted protein product. Loss-of-function variants in PTCH1 are known to be pathogenic (PMID: 16301862, 16419085). This variant is not present in population databases (gnomAD no frequency). This variant has not been reported in the literature in individuals affected with PTCH1-related conditions. For these reasons, this variant has been classified as Pathogenic.

Literature cited by the submitters: PubMed 16301862; PubMed 16419085.